The following is an entry in ClinVar:

ClinVar aggregate classification (germline): Uncertain significance (1 of 4 stars; one submission).

Allele frequency attached by ClinVar (database versions not stated): ExAC 0.00003; gnomAD 0.00003; gnomAD exomes 0.00003; TOPMed 0.00003; ESP Exome Variant Server 0.00015; 1000 Genomes Project 0.00020; 1000 Genomes Project 30x 0.00031.
gnomAD v4.1: 53 of 1,597,922 alleles (0.0033%); highest among the groups gnomAD compares: Non-Finnish European, 0.004%; no homozygotes.

Submissions (2):

Labcorp Genetics (formerly Invitae), Labcorp
Classification: Uncertain significance. Last evaluated: 2025-12-22. Review status: criteria provided, single submitter. Criteria: Invitae Variant Classification Sherloc (09022015). Collection method: clinical testing. Allele origin: germline.
Comment: This sequence change replaces glycine, which is neutral and non-polar, with arginine, which is basic and polar, at codon 474 of the KANK2 protein (p.Gly474Arg). This variant is present in population databases (rs145480621, gnomAD 0.009%). This variant has not been reported in the literature in individuals affected with KANK2-related conditions. ClinVar contains an entry for this variant (Variation ID: 2188306). An algorithm developed to predict the effect of missense changes on protein structure and function outputs the following: PolyPhen-2: "Benign". The arginine amino acid residue is found in multiple mammalian species, which suggests that this missense change does not adversely affect protein function. In summary, the available evidence is currently insufficient to determine the role of this variant in disease. Therefore, it has been classified as a Variant of Uncertain Significance.

Dr. Peter K. Rogan Lab, Western University
No classification provided (evidence only). Condition: Melanoma. Review status: no classification provided. Collection method: in vitro. Allele origin: not applicable. Functional consequence: retained intron. Not counted in ClinVar's aggregate classification.

NM_001136191.3(KANK2):c.1420G>A (p.Gly474Arg)

Gene: KANK2 (KN motif and ankyrin repeat domains 2; minus strand). Cytogenetic location: 19p13.2.
Variant type: single nucleotide variant.
Coding change: c.1420G>A on transcript NM_001136191.3 (MANE Select); coding-DNA position 1420, G replaced by A.
Protein change: p.Gly474Arg; replaces glycine 474 with arginine.
Molecular consequence: missense variant.
Genome position (GRCh38, 1-based): chr19:11,178,445, C>T on the plus strand (G>A on the coding strand, the complement: KANK2 is on the minus strand). VCF-style: chr19-11178445-C-T. GRCh37 (hg19) VCF-style: chr19-11289121-C-T.
Other names: c.1420G>A, p.Gly474Arg (NM_001329451.2, NM_001379555.1, NM_001379556.1 and 7 more transcripts); c.1444G>A, p.Gly482Arg (NM_001379548.1, NM_001379549.1, NM_001379550.1 and 5 more transcripts); short protein forms G482R, G474R.
Identifiers: ClinVar variation 2188306 (VCV002188306.5), dbSNP rs145480621, ClinGen allele CA9205671.